The following is an entry in ClinVar:

ClinVar aggregate classification (germline): Uncertain significance (3 of 4 stars; one submission).

Conditions:
Glanzmann thrombasthenia. Also called: Glanzmann's thrombasthenia; PLATELET GLYCOPROTEIN IIb-IIIa DEFICIENCY; BLEEDING DISORDER, PLATELET-TYPE, 2; THROMBASTHENIA OF GLANZMANN AND NAEGELI; Thrombasthenia. Identifiers: Orphanet 849, MedGen C0040015, MONDO:0100326.

Submission:

ClinGen Platelet Disorders Variant Curation Expert Panel, ClinGen
Classification: Uncertain significance for Glanzmann thrombasthenia. Last evaluated: 2023-05-16. Review status: reviewed by expert panel. Criteria: ClinGen Platelet ACMG Specifications v2-1. Collection method: curation. Allele origin: germline. Inheritance: Autosomal recessive inheritance.
Comment: The NM_000419.5:c.1616T>G variant in ITGA2B predicts the missense change, Leu539Arg. The variant is absent from gnomAD v2.1.1 and v3 (PM2_supporting). The variant is reported in an individual homozygous for this variant (PM3_supporting) and the His540Arg in ITGA2B, not meeting criteria for PP4 (PMID: 30792900). The variant also has a moderate REVEL score (0.644) not meeting criteria for PP3 (>0.7) or BP4 (<0.25). In summary, this variant meets the criteria to be classified as uncertain significance for autosomal recessive Glanzmann Thrombasthenia based on the ACMG/AMP criteria applied, as specified by the ClinGen PD VCEP: PM2_Supporting, PM3_supporting (PD VCEP specifications version 2.1).

NM_000419.5(ITGA2B):c.1616T>G (p.Leu539Arg)

Gene: ITGA2B (integrin subunit alpha 2b; minus strand). Cytogenetic location: 17q21.31.
Variant type: single nucleotide variant.
Coding change: c.1616T>G on transcript NM_000419.5 (MANE Select); coding-DNA position 1616, T replaced by G.
Protein change: p.Leu539Arg; replaces leucine 539 with arginine.
Molecular consequence: missense variant.
Genome position (GRCh38, 1-based): chr17:44,380,138, A>C on the plus strand (T>G on the coding strand, the complement: ITGA2B is on the minus strand). VCF-style: chr17-44380138-A-C. GRCh37 (hg19) VCF-style: chr17-42457506-A-C.
Other names: short protein forms L539R.
Identifiers: ClinVar variation 996197 (VCV000996197.3), dbSNP rs2048581782, ClinGen allele CA399802416.